The following is an entry in ClinVar:

NM_006258.4(PRKG1):c.311+15C>G

Gene: PRKG1 (protein kinase cGMP-dependent 1; plus strand). Cytogenetic location: 10q11.23.
Variant type: single nucleotide variant.
Coding change: c.311+15C>G on transcript NM_006258.4 (MANE Select); 15 bases into the intron after coding-DNA position 311, C replaced by G.
Molecular consequence: intron variant.
Genome position (GRCh38, 1-based): chr10:51,074,916, C>G. VCF-style: chr10-51074916-C-G. GRCh37 (hg19) VCF-style: chr10-52834676-C-G.
Other names: c.267-78248C>G (NM_001098512.3); c.311+15C>G (NM_001374782.1).
Identifiers: ClinVar variation 2792530 (VCV002792530.3), dbSNP rs764861976, ClinGen allele CA5503093.

ClinVar aggregate classification (germline): Uncertain significance (1 of 4 stars; one submission).

Conditions:
Aortic aneurysm, familial thoracic 8 (AAT8). Identifiers: MedGen C3809513, MONDO:0014187, OMIM 615436.

gnomAD v4.1: 1 of 1,580,374 alleles (0.000063%); highest among the groups gnomAD compares: East Asian, 0.0023%; no homozygotes.

Submission:

Labcorp Genetics (formerly Invitae), Labcorp
Classification: Uncertain significance for Aortic aneurysm, familial thoracic 8. Last evaluated: 2022-11-24. Review status: criteria provided, single submitter. Criteria: Invitae Variant Classification Sherloc (09022015). Collection method: clinical testing. Allele origin: germline.
Comment: This variant is present in population databases (rs764861976, gnomAD 0.006%). This variant has not been reported in the literature in individuals affected with PRKG1-related conditions. Algorithms developed to predict the effect of sequence changes on RNA splicing suggest that this variant may create or strengthen a splice site. In summary, the available evidence is currently insufficient to determine the role of this variant in disease. Therefore, it has been classified as a Variant of Uncertain Significance. This sequence change falls in intron 1 of the PRKG1 gene. It does not directly change the encoded amino acid sequence of the PRKG1 protein.